The following is an entry in ClinVar:

NM_007375.4(TARDBP):c.754G>A (p.Gly252Arg)

Gene: TARDBP (TAR DNA binding protein; plus strand). Cytogenetic location: 1p36.22.
Variant type: single nucleotide variant.
Coding change: c.754G>A on transcript NM_007375.4 (MANE Select); coding-DNA position 754, G replaced by A.
Protein change: p.Gly252Arg; replaces glycine 252 with arginine.
Molecular consequence: missense variant.
Genome position (GRCh38, 1-based): chr1:11,022,163, G>A. VCF-style: chr1-11022163-G-A. GRCh37 (hg19) VCF-style: chr1-11082220-G-A.
Other names: short protein forms G252R.
Identifiers: ClinVar variation 3757893 (VCV003757893.2).

ClinVar aggregate classification (germline): Uncertain significance (1 of 4 stars; one submission).

Conditions:
FRONTOTEMPORAL LOBAR DEGENERATION WITH TDP43 INCLUSIONS, TARDBP-RELATED. Also called: Frontotemporal lobar degeneration, TARDBP-related. Identifiers: MedGen C3150169, OMIM 612069.
Amyotrophic lateral sclerosis type 10 (ALS10). Also called: AMYOTROPHIC LATERAL SCLEROSIS 10 WITHOUT FRONTOTEMPORAL DEMENTIA AND WITH TDP43 INCLUSIONS; AMYOTROPHIC LATERAL SCLEROSIS 10 WITH OR WITHOUT FRONTOTEMPORAL DEMENTIA AND WITH TDP43 INCLUSIONS; AMYOTROPHIC LATERAL SCLEROSIS 10 WITH OR WITHOUT FRONTOTEMPORAL DEMENTIA; TARDBP-Related Amyotrophic Lateral Sclerosis-Frontotemporal Dementia; Amyotrophic lateral sclerosis 10, with or without FTD. Identifiers: Orphanet 275872, Orphanet 803, MedGen C2677565, MONDO:0012790, OMIM 612069.

Submission:

Labcorp Genetics (formerly Invitae), Labcorp
Classification: Uncertain significance for Amyotrophic lateral sclerosis type 10; FRONTOTEMPORAL LOBAR DEGENERATION WITH TDP43 INCLUSIONS, TARDBP-RELATED. Last evaluated: 2024-08-30. Review status: criteria provided, single submitter. Criteria: Invitae Variant Classification Sherloc (09022015). Collection method: clinical testing. Allele origin: germline.
Comment: This sequence change replaces glycine, which is neutral and non-polar, with arginine, which is basic and polar, at codon 252 of the TARDBP protein (p.Gly252Arg). This variant is not present in population databases (gnomAD no frequency). This variant has not been reported in the literature in individuals affected with TARDBP-related conditions. Invitae Evidence Modeling of protein sequence and biophysical properties (such as structural, functional, and spatial information, amino acid conservation, physicochemical variation, residue mobility, and thermodynamic stability) indicates that this missense variant is expected to disrupt TARDBP protein function with a positive predictive value of 80%. In summary, the available evidence is currently insufficient to determine the role of this variant in disease. Therefore, it has been classified as a Variant of Uncertain Significance.